The following is an entry in ClinVar:

ClinVar aggregate classification (germline): Pathogenic (1 of 4 stars; one submission).

Submission:

Labcorp Genetics (formerly Invitae), Labcorp
Classification: Pathogenic. Last evaluated: 2025-05-28. Review status: criteria provided, single submitter. Criteria: Invitae Variant Classification Sherloc (09022015). Collection method: clinical testing. Allele origin: germline.
Comment: This sequence change creates a premature translational stop signal (p.Leu17Argfs*46) in the SFRP4 gene. It is expected to result in an absent or disrupted protein product. Loss-of-function variants in SFRP4 are known to be pathogenic (PMID: 27355534). This variant is not present in population databases (gnomAD no frequency). This variant has not been reported in the literature in individuals affected with SFRP4-related conditions. For these reasons, this variant has been classified as Pathogenic.

Literature cited by the submitters: PubMed 27355534.

NM_003014.4(SFRP4):c.50_65del (p.Leu17fs)

Gene: SFRP4 (secreted frizzled related protein 4; minus strand). Cytogenetic location: 7p14.1.
Variant type: Deletion.
Coding change: c.50_65del on transcript NM_003014.4 (MANE Select); coding-DNA positions 50 to 65, 16 bases deleted (TGGGCGTGCGCGGCGC).
Protein change: p.Leu17fs; shifts the reading frame from leucine 17.
Molecular consequence: frameshift variant.
Genome position (GRCh38, 1-based): chr7:37,916,473-37,916,488, GCGCCGCGCACGCCCA deleted on the plus strand (TGGGCGTGCGCGGCGC on the coding strand, the reverse complement: SFRP4 is on the minus strand); deleting any 16 consecutive bases within chr7:37,916,473-37,916,493 gives the same sequence; the c. name uses the placement nearest the transcript's 3' end. VCF-style (leftmost placement, unchanged base first): chr7-37916472-CGCGCCGCGCACGCCCA-C. GRCh37 (hg19) VCF-style: chr7-37956074-CGCGCCGCGCACGCCCA-C.
Other names: short protein forms L17fs.
Identifiers: ClinVar variation 4720407 (VCV004720407.1).